The following is an entry in ClinVar:

ClinVar aggregate classification (germline): Uncertain significance (1 of 4 stars; one submission).

Submission:

Labcorp Genetics (formerly Invitae), Labcorp
Classification: Uncertain significance. Last evaluated: 2022-11-15. Review status: criteria provided, single submitter. Criteria: Invitae Variant Classification Sherloc (09022015). Collection method: clinical testing. Allele origin: germline.
Comment: Algorithms developed to predict the effect of missense changes on protein structure and function (SIFT, PolyPhen-2, Align-GVGD) all suggest that this variant is likely to be disruptive. This variant has not been reported in the literature in individuals affected with HMCN1-related conditions. This variant is not present in population databases (gnomAD no frequency). This sequence change replaces proline, which is neutral and non-polar, with serine, which is neutral and polar, at codon 3650 of the HMCN1 protein (p.Pro3650Ser). In summary, the available evidence is currently insufficient to determine the role of this variant in disease. Therefore, it has been classified as a Variant of Uncertain Significance.

NM_031935.3(HMCN1):c.10948C>T (p.Pro3650Ser)

Gene: HMCN1 (hemicentin 1; plus strand). Cytogenetic location: 1q31.1.
Variant type: single nucleotide variant.
Coding change: c.10948C>T on transcript NM_031935.3 (MANE Select); coding-DNA position 10948, C replaced by T.
Protein change: p.Pro3650Ser; replaces proline 3650 with serine.
Molecular consequence: missense variant.
Genome position (GRCh38, 1-based): chr1:186,108,556, C>T. VCF-style: chr1-186108556-C-T. GRCh37 (hg19) VCF-style: chr1-186077688-C-T.
Other names: short protein forms P3650S.
Identifiers: ClinVar variation 2007279 (VCV002007279.4), dbSNP rs1660731205, ClinGen allele CA343937723.